The following is an entry in ClinVar:

NM_015937.6(PIGT):c.962T>G (p.Leu321Arg)

Gene: PIGT (phosphatidylinositol glycan anchor biosynthesis class T; plus strand). Cytogenetic location: 20q13.12.
Variant type: single nucleotide variant.
Coding change: c.962T>G on transcript NM_015937.6 (MANE Select); coding-DNA position 962, T replaced by G.
Protein change: p.Leu321Arg; replaces leucine 321 with arginine.
Molecular consequence: missense variant. On other transcripts: non-coding transcript variant (5).
Genome position (GRCh38, 1-based): chr20:45,420,622, T>G. VCF-style: chr20-45420622-T-G. GRCh37 (hg19) VCF-style: chr20-44049262-T-G.
Other names: c.962T>G (NM_015937.5); c.794T>G, p.Leu265Arg (NM_001184728.3); c.962T>G, p.Leu321Arg (NM_001184729.3); c.656T>G, p.Leu219Arg (NM_001184730.3); short protein forms L219R, L321R, L265R.
Identifiers: ClinVar variation 3693455 (VCV003693455.3).

ClinVar aggregate classification (germline): Uncertain significance. Review status: criteria provided, multiple submitters, no conflicts (2 of 4 stars). 2 submissions from 2 submitters: Uncertain significance (2). Last evaluated 2025-02-21.

Conditions:
Multiple congenital anomalies-hypotonia-seizures syndrome 3 (MCAHS3). Also called: GLYCOSYLPHOSPHATIDYLINOSITOL BIOSYNTHESIS DEFECT 7. Identifiers: Orphanet 369837, MedGen C3809356, MONDO:0014165, OMIM 615398.

Submissions (2):

GeneDx
Classification: Uncertain significance. Last evaluated: 2025-02-21. Review status: criteria provided, single submitter. Criteria: GeneDx Variant Classification Process June 2021. Collection method: clinical testing. Allele origin: germline. Affected: yes.
Comment: Not observed at significant frequency in large population cohorts (gnomAD); In silico analysis indicates that this missense variant does not alter protein structure/function; Has not been previously published as pathogenic or benign to our knowledge

Labcorp Genetics (formerly Invitae), Labcorp
Classification: Uncertain significance for Multiple congenital anomalies-hypotonia-seizures syndrome 3. Last evaluated: 2024-09-08. Review status: criteria provided, single submitter. Criteria: Invitae Variant Classification Sherloc (09022015). Collection method: clinical testing. Allele origin: germline.
Comment: This sequence change replaces leucine, which is neutral and non-polar, with arginine, which is basic and polar, at codon 321 of the PIGT protein (p.Leu321Arg). This variant is not present in population databases (gnomAD no frequency). This variant has not been reported in the literature in individuals affected with PIGT-related conditions. Invitae Evidence Modeling of protein sequence and biophysical properties (such as structural, functional, and spatial information, amino acid conservation, physicochemical variation, residue mobility, and thermodynamic stability) indicates that this missense variant is not expected to disrupt PIGT protein function with a negative predictive value of 80%. In summary, the available evidence is currently insufficient to determine the role of this variant in disease. Therefore, it has been classified as a Variant of Uncertain Significance.